The following is an entry in ClinVar:

NM_003073.5(SMARCB1):c.363-14_363-3del

Gene: SMARCB1 (SWI/SNF related BAF chromatin remodeling complex subunit B1; plus strand). Cytogenetic location: 22q11.23.
Variant type: Deletion.
Coding change: c.363-14_363-3del on transcript NM_003073.5 (MANE Select); 14 bases into the intron before coding-DNA position 363 through 3 bases into the intron before coding-DNA position 363, 12 bases deleted (TTGTATCTCCTC).
Molecular consequence: intron variant.
Genome position (GRCh38, 1-based): chr22:23,800,930-23,800,941, TTGTATCTCCTC deleted; deleting any 12 consecutive bases within chr22:23,800,928-23,800,941 gives the same sequence; the c. name uses the placement nearest the transcript's 3' end. VCF-style (leftmost placement, unchanged base first): chr22-23800927-TTCTTGTATCTCC-T. GRCh37 (hg19) VCF-style: chr22-24143114-TTCTTGTATCTCC-T.
Other names: c.363-14_363-3del (NM_001362877.2); c.336-14_336-3del (NM_001317946.2, NM_001007468.3).
Identifiers: ClinVar variation 4824948 (VCV004824948.1).
Genomic context (GRCh38, chr22:23,800,927, plus strand): 5'-TGGAGCATTAGTTGATTCCTGGTGGGCAGGATCAGGCTCCTATACTGACTGGGAGGACTT[TTCTTGTATCTCC>T]TCAGGGAACAGAAGGCCAAGAGGAACAGCCAGTGGGTACCCACCCTGCCCAACAGCTCCC-3'

ClinVar aggregate classification (germline): Uncertain significance (1 of 4 stars; one submission).

Conditions:
Hereditary cancer-predisposing syndrome. Also called: Neoplastic Syndromes, Hereditary; Tumor predisposition; Hereditary Cancer Syndrome; Hereditary neoplastic syndrome. Identifiers: Orphanet 140162, MedGen C0027672, MeSH D009386, MONDO:0015356.

Submission:

Ambry Genetics
Classification: Uncertain significance for Hereditary cancer-predisposing syndrome. Last evaluated: 2026-02-03. Review status: criteria provided, single submitter. Criteria: Ambry Variant Classification Scheme 2023. Collection method: clinical testing. Allele origin: germline.
Comment: The c.363-14_363-3del12 intronic variant, located in intron 3 of the SMARCB1 gene, results from a deletion of 12 nucleotides within intron 3 of the SMARCB1 gene. This nucleotide position is not well conserved in available vertebrate species. In silico splice site analysis predicts that this alteration will weaken the native splice acceptor site. Based on the available evidence, the clinical significance of this variant remains unclear.